The following is an entry in ClinVar:

ClinVar aggregate classification (germline): Uncertain significance (1 of 4 stars; one submission).

Allele frequency attached by ClinVar (database versions not stated): gnomAD exomes below 0.00001.
gnomAD v4.1: 1 of 1,614,196 alleles (0.000062%); highest among the groups gnomAD compares: Non-Finnish European, 0.000085%; no homozygotes.

Submission:

Labcorp Genetics (formerly Invitae), Labcorp
Classification: Uncertain significance. Last evaluated: 2025-01-06. Review status: criteria provided, single submitter. Criteria: Invitae Variant Classification Sherloc (09022015). Collection method: clinical testing. Allele origin: germline.
Comment: This sequence change replaces proline, which is neutral and non-polar, with leucine, which is neutral and non-polar, at codon 891 of the RUSC2 protein (p.Pro891Leu). This variant is not present in population databases (gnomAD no frequency). This variant has not been reported in the literature in individuals affected with RUSC2-related conditions. ClinVar contains an entry for this variant (Variation ID: 1975398). An algorithm developed to predict the effect of missense changes on protein structure and function (PolyPhen-2) suggests that this variant is likely to be disruptive. In summary, the available evidence is currently insufficient to determine the role of this variant in disease. Therefore, it has been classified as a Variant of Uncertain Significance.

NM_014806.5(RUSC2):c.2672C>T (p.Pro891Leu)

Gene: RUSC2 (RUN and SH3 domain containing 2; plus strand). Cytogenetic location: 9p13.3.
Variant type: single nucleotide variant.
Coding change: c.2672C>T on transcript NM_014806.5 (MANE Select); coding-DNA position 2672, C replaced by T.
Protein change: p.Pro891Leu; replaces proline 891 with leucine.
Molecular consequence: missense variant. On other transcripts: non-coding transcript variant (1).
Genome position (GRCh38, 1-based): chr9:35,555,967, C>T. VCF-style: chr9-35555967-C-T. GRCh37 (hg19) VCF-style: chr9-35555964-C-T.
Other names: c.2672C>T, p.Pro891Leu (NM_001135999.2); c.38C>T, p.Pro13Leu (NM_001330740.2); short protein forms P891L, P13L.
Identifiers: ClinVar variation 1975398 (VCV001975398.5), dbSNP rs2490404644, ClinGen allele CA373344251.
Genomic context (GRCh38, chr9:35,555,967, plus strand): 5'-TCTCCTGCCAACTCTTGTCTTTCTGCTAATCTGTTCTGCTTCCAGCCAACCACCTATCCC[C>T]TCAAGCCCTCAAGTGGCGGGAATACAGGAGGAAGAACCCACTAGGGCCACCTGGTTTGTC-3'
Protein context (NP_055621.2, residues 881-901): TRPSNANHLS[Pro891Leu]QALKWREYRR